The following is an entry in ClinVar:

ClinVar aggregate classification (germline): Benign/Likely benign. Review status: criteria provided, multiple submitters, no conflicts (2 of 4 stars). 3 submissions from 3 submitters: Benign (1); Likely benign (2). Last evaluated 2025-11-01.

Allele frequency attached by ClinVar (database versions not stated): TOPMed 0.00002; gnomAD 0.00005 and 0.00006; gnomAD exomes 0.00006; ExAC 0.00008.

Submissions (3):

CeGaT Center for Human Genetics Tuebingen
Classification: Likely benign. Last evaluated: 2025-11-01. Review status: criteria provided, single submitter. Criteria: CeGaT Center For Human Genetics Tuebingen Variant Classification Criteria Version 2. Collection method: clinical testing. Allele origin: germline. Affected: yes. Observed: 1 variant allele.
Comment: SHANK3: BP4, BP7

Blueprint Genetics
Classification: Likely benign. Last evaluated: 2024-06-24. Review status: criteria provided, single submitter. Criteria: ACMG Guidelines, 2015. Collection method: clinical testing. Allele origin: germline.

GeneDx
Classification: Benign. Last evaluated: 2020-03-02. Review status: criteria provided, single submitter. Criteria: GeneDx Variant Classification Process June 2021. Collection method: clinical testing. Allele origin: germline. Affected: yes.

NM_001372044.2(SHANK3):c.2148C>T (p.Val716=)

Gene: SHANK3 (SH3 and multiple ankyrin repeat domains 3; plus strand). Cytogenetic location: 22q13.33.
Variant type: single nucleotide variant.
Coding change: c.2148C>T on transcript NM_001372044.2 (MANE Select); coding-DNA position 2148, C replaced by T.
Protein change: p.Val716=; no amino-acid change (valine 716 retained).
Molecular consequence: synonymous variant.
Genome position (GRCh38, 1-based): chr22:50,704,990, C>T. VCF-style: chr22-50704990-C-T. GRCh37 (hg19) VCF-style: chr22-51143418-C-T.
Other names: c.1923C>T (NM_033517.1).
Identifiers: ClinVar variation 1278460 (VCV001278460.8), dbSNP rs754669007, ClinGen allele CA10325715.